The following is an entry in ClinVar:

ClinVar aggregate classification (germline): Uncertain significance (1 of 4 stars; one submission).

Submission:

Labcorp Genetics (formerly Invitae), Labcorp
Classification: Uncertain significance. Last evaluated: 2024-09-28. Review status: criteria provided, single submitter. Criteria: Invitae Variant Classification Sherloc (09022015). Collection method: clinical testing. Allele origin: germline.
Comment: This sequence change replaces valine, which is neutral and non-polar, with alanine, which is neutral and non-polar, at codon 740 of the REST protein (p.Val740Ala). This variant is not present in population databases (gnomAD no frequency). This variant has not been reported in the literature in individuals affected with REST-related conditions. An algorithm developed to predict the effect of missense changes on protein structure and function (PolyPhen-2) suggests that this variant is likely to be tolerated. In summary, the available evidence is currently insufficient to determine the role of this variant in disease. Therefore, it has been classified as a Variant of Uncertain Significance.

NM_005612.5(REST):c.2219T>C (p.Val740Ala)

Gene: REST (RE1 silencing transcription factor; plus strand). Cytogenetic location: 4q12.
Variant type: single nucleotide variant.
Coding change: c.2219T>C on transcript NM_005612.5 (MANE Select); coding-DNA position 2219, T replaced by C.
Protein change: p.Val740Ala; replaces valine 740 with alanine.
Molecular consequence: missense variant.
Genome position (GRCh38, 1-based): chr4:56,931,077, T>C. VCF-style: chr4-56931077-T-C. GRCh37 (hg19) VCF-style: chr4-57797243-T-C.
Other names: c.2219T>C, p.Val740Ala (NM_001193508.2, NM_001363453.3); short protein forms V740A.
Identifiers: ClinVar variation 3714030 (VCV003714030.2).